The following is an entry in ClinVar:

NM_000834.5(GRIN2B):c.3964G>C (p.Val1322Leu)

Gene: GRIN2B (glutamate ionotropic receptor NMDA type subunit 2B; minus strand). Cytogenetic location: 12p13.1.
Variant type: single nucleotide variant.
Coding change: c.3964G>C on transcript NM_000834.5 (MANE Select); coding-DNA position 3964, G replaced by C.
Protein change: p.Val1322Leu; replaces valine 1322 with leucine.
Molecular consequence: missense variant.
Genome position (GRCh38, 1-based): chr12:13,563,274, C>G on the plus strand (G>C on the coding strand, the complement: GRIN2B is on the minus strand). VCF-style: chr12-13563274-C-G. GRCh37 (hg19) VCF-style: chr12-13716208-C-G.
Other names: short protein forms V1322L.
Identifiers: ClinVar variation 411109 (VCV000411109.8), dbSNP rs200255226, ClinGen allele CA6460810.

ClinVar aggregate classification (germline): Uncertain significance (1 of 4 stars; one submission).

Conditions:
Intellectual developmental disorder, autosomal dominant 6, with or without seizures. Also called: GRIN2B-related developmental delay, intellectual disability and autism spectrum disorder; Intellectual disability, autosomal dominant 6. Identifiers: Orphanet 589547, MedGen C3151411, MONDO:0013509, OMIM 613970.
Developmental and epileptic encephalopathy, 27 (DEE27). Also called: Epileptic encephalopathy, early infantile, 27; GRIN2B-Related Neurodevelopmental Disorder. Identifiers: Orphanet 3451, MedGen C4015316, MONDO:0014505, OMIM 616139.

Allele frequency attached by ClinVar (database versions not stated): gnomAD exomes 0.00001; ExAC 0.00001.
gnomAD v4.1: 7 of 1,614,228 alleles (0.00043%); highest among the groups gnomAD compares: Non-Finnish European, 0.00059%; no homozygotes.

Submission:

Labcorp Genetics (formerly Invitae), Labcorp
Classification: Uncertain significance for Developmental and epileptic encephalopathy, 27; Intellectual developmental disorder, autosomal dominant 6, with or without seizures. Last evaluated: 2025-01-20. Review status: criteria provided, single submitter. Criteria: Invitae Variant Classification Sherloc (09022015). Collection method: clinical testing. Allele origin: germline.
Comment: This sequence change replaces valine, which is neutral and non-polar, with leucine, which is neutral and non-polar, at codon 1322 of the GRIN2B protein (p.Val1322Leu). This variant is present in population databases (rs200255226, gnomAD 0.002%). This variant has not been reported in the literature in individuals affected with GRIN2B-related conditions. ClinVar contains an entry for this variant (Variation ID: 411109). Invitae Evidence Modeling of protein sequence and biophysical properties (such as structural, functional, and spatial information, amino acid conservation, physicochemical variation, residue mobility, and thermodynamic stability) indicates that this missense variant is not expected to disrupt GRIN2B protein function with a negative predictive value of 95%. In summary, the available evidence is currently insufficient to determine the role of this variant in disease. Therefore, it has been classified as a Variant of Uncertain Significance.